The following is an entry in ClinVar:

ClinVar aggregate classification (germline): Uncertain significance (1 of 4 stars; one submission).

Submission:

Labcorp Genetics (formerly Invitae), Labcorp
Classification: Uncertain significance. Last evaluated: 2024-10-09. Review status: criteria provided, single submitter. Criteria: Invitae Variant Classification Sherloc (09022015). Collection method: clinical testing. Allele origin: germline.
Comment: This variant, c.2411_2419del, results in the deletion of 3 amino acid(s) of the GEN1 protein (p.Glu804_Ser806del), but otherwise preserves the integrity of the reading frame. This variant is present in population databases (rs761753318, gnomAD 0.006%). This variant has not been reported in the literature in individuals affected with GEN1-related conditions. Experimental studies and prediction algorithms are not available or were not evaluated, and the functional significance of this variant is currently unknown. In summary, the available evidence is currently insufficient to determine the role of this variant in disease. Therefore, it has been classified as a Variant of Uncertain Significance.

NM_001130009.3(GEN1):c.2411_2419del (p.Glu804_Ser806del)

Gene: GEN1 (GEN1 structure-specific endonuclease; plus strand). Cytogenetic location: 2p24.2.
Variant type: Deletion.
Coding change: c.2411_2419del on transcript NM_001130009.3 (MANE Select); coding-DNA positions 2411 to 2419, 9 bases deleted (AACAAAGTG; older notation c.2411_2419delAACAAAGTG).
Protein change: p.Glu804_Ser806del.
Genome position (GRCh38, 1-based): chr2:17,781,623-17,781,631, AACAAAGTG deleted; deleting any 9 consecutive bases within chr2:17,781,621-17,781,631 gives the same sequence; the c. name uses the placement nearest the transcript's 3' end. VCF-style (leftmost placement, unchanged base first): chr2-17781620-ATGAACAAAG-A. GRCh37 (hg19) VCF-style: chr2-17962887-ATGAACAAAG-A.
Other names: c.2411_2419del, p.Glu804_Ser806del (NM_182625.5).
Identifiers: ClinVar variation 3722504 (VCV003722504.2).
Genomic context (GRCh38, chr2:17,781,620, plus strand): 5'-TGCAAACCACTCGGAAAATTTTAATGAAGAAGAGTGTTTGCCTTGACAGACATTCCTCTG[ATGAACAAAG>A]TGCCCCAGTGTTTGGGAAAGCTAAGTACACAACTCAAAGAATGAAGCACAGTTCTCAAAA-3'